The following is an entry in ClinVar:

ClinVar aggregate classification (germline): Uncertain significance. Review status: criteria provided, multiple submitters, no conflicts (2 of 4 stars). 2 submissions from 2 submitters: Uncertain significance (2). Last evaluated 2025-04-29.

Conditions:
Inborn genetic diseases. Identifiers: MedGen C0950123, MeSH D030342.

Submissions (2):

GeneDx
Classification: Uncertain significance. Last evaluated: 2025-04-29. Review status: criteria provided, single submitter. Criteria: GeneDx Variant Classification Process June 2021. Collection method: clinical testing. Allele origin: germline. Affected: yes.
Comment: In silico analysis supports that this missense variant has a deleterious effect on protein structure/function; Has not been previously published as pathogenic or benign to our knowledge

Ambry Genetics
Classification: Uncertain significance for Inborn genetic diseases. Last evaluated: 2025-02-07. Review status: criteria provided, single submitter. Criteria: Ambry Variant Classification Scheme 2023. Collection method: clinical testing. Allele origin: germline.

NM_001363711.2(DUOX2):c.781T>C (p.Tyr261His)

Gene: DUOX2 (dual oxidase 2; minus strand). Cytogenetic location: 15q21.1.
Variant type: single nucleotide variant.
Coding change: c.781T>C on transcript NM_001363711.2 (MANE Select); coding-DNA position 781, T replaced by C.
Protein change: p.Tyr261His; replaces tyrosine 261 with histidine.
Molecular consequence: missense variant.
Genome position (GRCh38, 1-based): chr15:45,111,212, A>G on the plus strand (T>C on the coding strand, the complement: DUOX2 is on the minus strand). VCF-style: chr15-45111212-A-G. GRCh37 (hg19) VCF-style: chr15-45403410-A-G.
Other names: c.781T>C, p.Tyr261His (NM_014080.5); short protein forms Y261H.
Identifiers: ClinVar variation 3842836 (VCV003842836.2).
Genomic context (GRCh38, chr15:45,111,212, plus strand): 5'-GCTCCTCGTCCTCCCAGTCTGGGTGCTGGCGGGCCAGCCTCTGCGCCCACAGGTTGTGGT[A>G]GCGGAACCAGAGCAGGCCCAGCGCCTGCAGGAAGGGTTCCCGGTTCCCTCTCTCTGCCCC-3'
Protein context (NP_001350640.1, residues 251-271): LQALGLLWFR[Tyr261His]HNLWAQRLAR